The following is an entry in ClinVar:

ClinVar aggregate classification (germline): Uncertain significance (1 of 4 stars; one submission).

Conditions:
Cardiovascular phenotype. Identifiers: MedGen CN230736.
Hereditary cancer-predisposing syndrome. Also called: Tumor predisposition; Hereditary Cancer Syndrome; Neoplastic Syndromes, Hereditary; Hereditary neoplastic syndrome. Identifiers: Orphanet 140162, MedGen C0027672, MeSH D009386, MONDO:0015356.

Submission:

Ambry Genetics
Classification: Uncertain significance for Cardiovascular phenotype; Hereditary cancer-predisposing syndrome. Last evaluated: 2018-07-20. Review status: criteria provided, single submitter. Criteria: Ambry Variant Classification Scheme 2023. Collection method: clinical testing. Allele origin: germline.
Comment: The p.A1081P variant (also known as c.3241G>C), located in coding exon 25 of the NF1 gene, results from a G to C substitution at nucleotide position 3241. The alanine at codon 1081 is replaced by proline, an amino acid with highly similar properties. This amino acid position is highly conserved in available vertebrate species. In addition, the in silico prediction for this alteration is inconclusive. Since supporting evidence is limited at this time, the clinical significance of this alteration remains unclear.

NM_001042492.3(NF1):c.3241G>C (p.Ala1081Pro)

Gene: NF1 (neurofibromin 1; plus strand). Cytogenetic location: 17q11.2.
Variant type: single nucleotide variant.
Coding change: c.3241G>C on transcript NM_001042492.3 (MANE Select); coding-DNA position 3241, G replaced by C.
Protein change: p.Ala1081Pro; replaces alanine 1081 with proline.
Molecular consequence: missense variant.
Genome position (GRCh38, 1-based): chr17:31,232,116, G>C. VCF-style: chr17-31232116-G-C. GRCh37 (hg19) VCF-style: chr17-29559134-G-C.
Other names: c.3241G>C, p.Ala1081Pro (NM_000267.4); short protein forms A1081P.
Identifiers: ClinVar variation 823274 (VCV000823274.4), dbSNP rs1555614834, ClinGen allele CA398988766.
Genomic context (GRCh38, chr17:31,232,116, plus strand): 5'-TTTTTTTTTTTTTTCAGAGATTTGGACCAGGCAAGCATGGAAGCAGTAGTTTCACTTCTA[G>C]CTGGTCTCCCTCTGCAGCCTGAAGAAGGAGATGGTGTGGAATTGATGGAAGCCAAATCAC-3'
Protein context (NP_001035957.1, residues 1071-1091): ASMEAVVSLL[Ala1081Pro]GLPLQPEEGD